The following is an entry in ClinVar:

ClinVar aggregate classification (germline): Uncertain significance (1 of 4 stars; one submission).

Conditions:
Inborn genetic diseases. Identifiers: MedGen C0950123, MeSH D030342.

gnomAD v4.1: 1 of 1,612,454 alleles (0.000062%); highest among the groups gnomAD compares: Non-Finnish European, 0.000085%; no homozygotes.

Submission:

Ambry Genetics
Classification: Uncertain significance for Inborn genetic diseases. Last evaluated: 2026-01-29. Review status: criteria provided, single submitter. Criteria: Ambry Variant Classification Scheme 2023. Collection method: clinical testing. Allele origin: germline.
Comment: The c.495C>A variant (also known as p.S165S), located in coding exon 1 of the WT1 gene, results from a C to A substitution at nucleotide position 495. This nucleotide substitution does not change the serine at codon 165. This nucleotide position is not well conserved in available vertebrate species. In silico splice site analysis predicts that this alteration may result in the creation or strengthening of a novel splice acceptor site. Based on the available evidence, the clinical significance of this variant remains unclear.

NM_024426.6(WT1):c.510C>A (p.Ser170=)

Genes: WT1 (WT1 transcription factor; minus strand), LOC107982234 (WT1/WT1-AS bi-directional promoter region; plus strand). Cytogenetic location: 11p13.
Variant type: single nucleotide variant.
Coding change: c.510C>A on transcript NM_024426.6 (MANE Select); coding-DNA position 510, C replaced by A.
Protein change: p.Ser170=; no amino-acid change (serine 170 retained).
Molecular consequence: synonymous variant. On other transcripts: non-coding transcript variant (2).
Genome position (GRCh38, 1-based): chr11:32,434,851, G>T on the plus strand (C>A on the coding strand, the complement: WT1 is on the minus strand). VCF-style: chr11-32434851-G-T. GRCh37 (hg19) VCF-style: chr11-32456397-G-T.
Other names: c.291C>A, p.Ser97= (NM_001429032.1, NM_001429033.1, NM_001429034.1 and 1 more transcripts); c.510C>A, p.Ser170= (NM_024424.5, NM_000378.6, NM_001407044.1 and 6 more transcripts).
Identifiers: ClinVar variation 4825394 (VCV004825394.1).
Genomic context (GRCh38, chr11:32,434,851, plus strand): 5'-GGGCGGAGGAGGACCGAAGGGCCCGTAGCGACAGGCTCCGGCTGTGCCAGTGAACTGGCC[G>T]GAAAAGTGGACAGTGAAGGCGCTCAGGCACTGCTCCTCGTGCGGCTCCGCGCCGCCCCAG-3'
Protein context (NP_077744.4, residues 160-180): QCLSAFTVHF[Ser170=]GQFTGTAGAC